The following is an entry in ClinVar:

NM_003614.2(GALR3):c.157C>G (p.Pro53Ala)

Gene: GALR3 (galanin receptor 3; plus strand). Cytogenetic location: 22q13.1.
Variant type: single nucleotide variant.
Coding change: c.157C>G on transcript NM_003614.2 (MANE Select); coding-DNA position 157, C replaced by G.
Protein change: p.Pro53Ala; replaces proline 53 with alanine.
Molecular consequence: missense variant.
Genome position (GRCh38, 1-based): chr22:37,823,563, C>G. VCF-style: chr22-37823563-C-G. GRCh37 (hg19) VCF-style: chr22-38219570-C-G.
Other names: short protein forms P53A.
Identifiers: ClinVar variation 2653126 (VCV002653126.24), dbSNP rs78650836, ClinGen allele CA10226024.

ClinVar aggregate classification (germline): Likely benign (1 of 4 stars; one submission).

Allele frequency attached by ClinVar (database versions not stated): 1000 Genomes Project 30x 0.00094; 1000 Genomes Project 0.00100; gnomAD 0.00368; ExAC 0.00370; TOPMed 0.00391; ESP Exome Variant Server 0.00438.

Submission:

CeGaT Center for Human Genetics Tuebingen
Classification: Likely benign. Last evaluated: 2025-01-01. Review status: criteria provided, single submitter. Criteria: CeGaT Center For Human Genetics Tuebingen Variant Classification Criteria Version 2. Collection method: clinical testing. Allele origin: germline. Affected: yes. Observed: 3 variant alleles.
Comment: GALR3: BP4, BS2